The following is an entry in ClinVar:

ClinVar aggregate classification (germline): Likely benign (0 of 4 stars; one submission).

Conditions:
GRAP-related disorder. Also called: GRAP-related condition.

Allele frequency attached by ClinVar (database versions not stated): gnomAD exomes below 0.00001; ExAC 0.00002; gnomAD 0.00002; TOPMed 0.00002.
gnomAD v4.1: 9 of 1,592,694 alleles (0.00057%); highest among the groups gnomAD compares: Admixed American, 0.007%; no homozygotes.

Submission:

PreventionGenetics, part of Exact Sciences
Classification: Likely benign for GRAP-related condition. Last evaluated: 2020-02-24. Review status: no assertion criteria provided. Collection method: clinical testing. Allele origin: germline.
Comment: This variant is classified as likely benign based on ACMG/AMP sequence variant interpretation guidelines (Richards et al. 2015 PMID: 25741868, with internal and published modifications).

NM_006613.4(GRAP):c.546C>T (p.Gly182=)

Genes: GRAP (GRB2 related adaptor protein; minus strand), SLC5A10 (solute carrier family 5 member 10; plus strand). Cytogenetic location: 17p11.2.
Variant type: single nucleotide variant.
Coding change: c.546C>T on transcript NM_006613.4 (MANE Select); coding-DNA position 546, C replaced by T.
Protein change: p.Gly182=; no amino-acid change (glycine 182 retained).
Molecular consequence: synonymous variant. On other transcripts: missense variant (1), 3 prime UTR variant (4).
Genome position (GRCh38, 1-based): chr17:19,022,067, G>A on the plus strand (C>T on the coding strand, the complement: GRAP is on the minus strand). VCF-style: chr17-19022067-G-A. GRCh37 (hg19) VCF-style: chr17-18925380-G-A.
Other names: c.377C>T, p.Ala126Val (NM_001330148.2); c.*1636G>A (NM_001042450.4, NM_001270648.3, NM_001270649.2 and 1 more transcripts); short protein forms A126V.
Identifiers: ClinVar variation 3051338 (VCV003051338.2), dbSNP rs780578017, ClinGen allele CA8437106.
Genomic context (GRCh38, chr17:19,022,067, plus strand): 5'-CCCGCAGGACCGGCCCCGCCACCAGTGGGGGTCTGGGCGCTCCAGGACCTCAATGATGTC[G>A]CCACGGCGGAAGCTGAGCTGCGAGGGGTCCTGGGCTGAGAAGTCAAACTGGGCCTGGGCA-3'
Protein context (NP_006604.1, residues 172-192): QDPSQLSFRR[Gly182=]DIIEVLERPD